The following is an entry in ClinVar:

NM_001297719.2(BMAL1):c.430G>A (p.Asp144Asn)

Gene: BMAL1 (basic helix-loop-helix ARNT like 1; plus strand). Cytogenetic location: 11p15.3.
Variant type: single nucleotide variant.
Coding change: c.430G>A on transcript NM_001297719.2 (MANE Select); coding-DNA position 430, G replaced by A.
Protein change: p.Asp144Asn; replaces aspartic acid 144 with asparagine.
Molecular consequence: missense variant. On other transcripts: 5 prime UTR variant (1), non-coding transcript variant (7).
Genome position (GRCh38, 1-based): chr11:13,360,395, G>A. VCF-style: chr11-13360395-G-A. GRCh37 (hg19) VCF-style: chr11-13381942-G-A.
Other names: c.430G>A, p.Asp144Asn (NM_001030272.3, NM_001178.6, NM_001297722.2 and 8 more transcripts); c.301G>A, p.Asp101Asn (NM_001030273.3, NM_001297724.2, NM_001351808.2 and 7 more transcripts); c.391G>A, p.Asp131Asn (NM_001351805.2, NM_001351806.2); c.379G>A, p.Asp127Asn (NM_001351809.2, NM_001351812.2); c.-242G>A (NM_001351811.2); short protein forms D127N, D144N, D131N, D101N.
Identifiers: ClinVar variation 5008833 (VCV005008833.1).
Genomic context (GRCh38, chr11:13,360,395, plus strand): 5'-TGCCCCTAAGGTGCCACCAATCCATACACAGAAGCAAACTACAAACCAACTTTTCTATCA[G>A]ACGATGAATTGAAACACCTCATTCTCAGGGTATGTTCAATTATGGGATTGTTTTACAACG-3'
Protein context (NP_001284648.1, residues 134-154): EANYKPTFLS[Asp144Asn]DELKHLILRA

ClinVar aggregate classification (germline): Uncertain significance (1 of 4 stars; one submission).

Submission:

GeneDx
Classification: Uncertain significance. Last evaluated: 2026-03-08. Review status: criteria provided, single submitter. Criteria: GeneDx Variant Classification Process June 2021. Collection method: clinical testing. Allele origin: germline.
Comment: Not observed at significant frequency in large population cohorts (gnomAD); In silico analysis supports that this missense variant has a deleterious effect on protein structure/function; Has not been previously published as pathogenic or benign to our knowledge